The following is an entry in ClinVar:

ClinVar aggregate classification (germline): Uncertain significance. Review status: criteria provided, multiple submitters, no conflicts (2 of 4 stars). 3 submissions from 3 submitters: Uncertain significance (3). Last evaluated 2024-02-25.

Conditions:
Familial thoracic aortic aneurysm and aortic dissection (TAAD). Also called: Thoracic aortic aneurysms and dissections. Identifiers: Orphanet 91387, MedGen C4707243, MONDO:0019625.
Adams-Oliver syndrome 5 (AOS5). Identifiers: Orphanet 974, MedGen C4014970, MONDO:0014459, OMIM 616028.

Allele frequency attached by ClinVar (database versions not stated): gnomAD exomes below 0.00001.
gnomAD v4.1: 4 of 1,549,212 alleles (0.00026%); highest among the groups gnomAD compares: Non-Finnish European, 0.00035%; no homozygotes.

Submissions (3):

Ambry Genetics
Classification: Uncertain significance for Familial thoracic aortic aneurysm and aortic dissection. Last evaluated: 2024-02-25. Review status: criteria provided, single submitter. Criteria: Ambry Variant Classification Scheme 2023. Collection method: clinical testing. Allele origin: germline.
Comment: The p.P224A variant (also known as c.670C>G), located in coding exon 4 of the NOTCH1 gene, results from a C to G substitution at nucleotide position 670. The proline at codon 224 is replaced by alanine, an amino acid with highly similar properties. This amino acid position is conserved. In addition, the in silico prediction for this alteration is inconclusive. Based on the available evidence, the clinical significance of this alteration remains unclear.

Labcorp Genetics (formerly Invitae), Labcorp
Classification: Uncertain significance for Adams-Oliver syndrome 5. Last evaluated: 2023-07-19. Review status: criteria provided, single submitter. Criteria: Invitae Variant Classification Sherloc (09022015). Collection method: clinical testing. Allele origin: germline.
Comment: In summary, the available evidence is currently insufficient to determine the role of this variant in disease. Therefore, it has been classified as a Variant of Uncertain Significance. Advanced modeling of protein sequence and biophysical properties (such as structural, functional, and spatial information, amino acid conservation, physicochemical variation, residue mobility, and thermodynamic stability) performed at Invitae indicates that this missense variant is not expected to disrupt NOTCH1 protein function. This variant has not been reported in the literature in individuals affected with NOTCH1-related conditions. This variant is not present in population databases (gnomAD no frequency). This sequence change replaces proline, which is neutral and non-polar, with alanine, which is neutral and non-polar, at codon 224 of the NOTCH1 protein (p.Pro224Ala).

GeneDx
Classification: Uncertain significance. Last evaluated: 2023-04-28. Review status: criteria provided, single submitter. Criteria: GeneDx Variant Classification Process June 2021. Collection method: clinical testing. Allele origin: germline. Affected: yes.
Comment: Has not been previously published as pathogenic or benign to our knowledge; Not observed at significant frequency in large population cohorts (gnomAD); In silico analysis supports that this missense variant has a deleterious effect on protein structure/function

NM_017617.5(NOTCH1):c.670C>G (p.Pro224Ala)

Gene: NOTCH1 (notch receptor 1; minus strand). Cytogenetic location: 9q34.3.
Variant type: single nucleotide variant.
Coding change: c.670C>G on transcript NM_017617.5 (MANE Select); coding-DNA position 670, C replaced by G.
Protein change: p.Pro224Ala; replaces proline 224 with alanine.
Molecular consequence: missense variant.
Genome position (GRCh38, 1-based): chr9:136,522,922, G>C on the plus strand (C>G on the coding strand, the complement: NOTCH1 is on the minus strand). VCF-style: chr9-136522922-G-C. GRCh37 (hg19) VCF-style: chr9-139417374-G-C.
Other names: short protein forms P224A.
Identifiers: ClinVar variation 2663476 (VCV002663476.5), dbSNP rs1843396147, ClinGen allele CA375569503.
Genomic context (GRCh38, chr9:136,522,922, plus strand): 5'-CACACTCGTGGGTGACGTCGCCCGTGGGGCGGCAGGTGCCCCCGTTCTGGCAGGGCGAGG[G>C]GCTGCAGGGCACGTAGGGCCGCTCGCAGTTGGGGCCAGTGTGGGTGGCGCGGCAGACGCA-3'
Protein context (NP_060087.3, residues 214-234): NCERPYVPCS[Pro224Ala]SPCQNGGTCR